The following is an entry in ClinVar:

ClinVar aggregate classification (germline): Likely pathogenic (1 of 4 stars; one submission).

Conditions:
Short-rib thoracic dysplasia 10 with or without polydactyly (SRTD10). Identifiers: Orphanet 474, MedGen C3810175, MONDO:0014284, OMIM 615630.
Bardet-Biedl syndrome 20. Identifiers: MedGen C4310707, MONDO:0023670, OMIM 619471, MONDO:0014926.
Retinitis pigmentosa 71 (RP71). Identifiers: Orphanet 791, MedGen C4225342, MONDO:0014618, OMIM 616394.

Submission:

Juno Genomics, Hangzhou Juno Genomics, Inc
Classification: Likely pathogenic for Retinitis pigmentosa 71; Bardet-Biedl syndrome 20; Short-rib thoracic dysplasia 10 with or without polydactyly. Review status: criteria provided, single submitter. Criteria: ACMG Guidelines, 2015. Collection method: clinical testing. Allele origin: germline.
Comment: Absent from controls (or at extremely low frequency if recessive) in Genome Aggregation Database.;Null variant in a gene where loss of function (LOF) is a known mechanism of disease.

NM_015662.3(IFT172):c.785+2T>C

Gene: IFT172 (intraflagellar transport 172; minus strand). Cytogenetic location: 2p23.3.
Variant type: single nucleotide variant.
Coding change: c.785+2T>C on transcript NM_015662.3 (MANE Select); the canonical splice donor site of the intron after coding-DNA position 785, T replaced by C.
Molecular consequence: splice donor variant.
Genome position (GRCh38, 1-based): chr2:27,481,044, A>G on the plus strand (T>C on the coding strand, the complement: IFT172 is on the minus strand). VCF-style: chr2-27481044-A-G. GRCh37 (hg19) VCF-style: chr2-27703911-A-G.
Other names: c.785+2T>C (NM_001410739.1).
Identifiers: ClinVar variation 5019102 (VCV005019102.2).
Genomic context (GRCh38, chr2:27,481,044, plus strand): 5'-GCTAAAGCAGAGAGTGTTCGCAGGGAAAGTAGGCAGTAGATAAAACTGGAAAGGGGACTT[A>G]CCTGTCATAACTTCCTAGCACAACAGACTGGCCCCCAGGACTTGATACAGCTGTGGTGAA-3'